The following is an entry in ClinVar:

ClinVar aggregate classification (germline): Conflicting classifications of pathogenicity. Review status: criteria provided, conflicting classifications (1 of 4 stars). 4 submissions from 4 submitters: Uncertain significance (2); Benign (1). 1 of the submissions does not count toward it. Last evaluated 2026-01-20.

Conditions:
Microcephalic osteodysplastic primordial dwarfism type II (MOPD2). Also called: Microcephalic osteodysplastic primordial dwarfism with tooth abnormalities; MOPD II; OSTEODYSPLASTIC PRIMORDIAL DWARFISM, TYPE II. Identifiers: Orphanet 2637, MedGen C0432246, MONDO:0008872, OMIM 210720.
PCNT-related disorder. Also called: PCNT-related condition.

Allele frequency attached by ClinVar (database versions not stated): ESP Exome Variant Server 0.00023; gnomAD 0.00032 and 0.00036; TOPMed 0.00033.
gnomAD v4.1: 473 of 1,613,976 alleles (0.029%); highest among the groups gnomAD compares: Middle Eastern, 0.21%; 4 homozygotes.

Submissions (4):

Labcorp Genetics (formerly Invitae), Labcorp
Classification: Benign. Last evaluated: 2026-01-20. Review status: criteria provided, single submitter. Criteria: Invitae Variant Classification Sherloc (09022015). Collection method: clinical testing. Allele origin: germline.

Illumina Laboratory Services, Illumina
Classification: Uncertain significance for Microcephalic osteodysplastic primordial dwarfism type II. Last evaluated: 2018-01-13. Review status: criteria provided, single submitter. Criteria: ICSL Variant Classification Criteria 13 December 2019. Collection method: clinical testing. Allele origin: germline.

Genetic Services Laboratory, University of Chicago
Classification: Uncertain significance. Last evaluated: 2016-08-08. Review status: criteria provided, single submitter. Criteria: ACMG Guidelines, 2015. Collection method: clinical testing. Allele origin: germline. Affected: no.

PreventionGenetics, part of Exact Sciences
Classification: Likely benign for PCNT-related condition. Last evaluated: 2019-05-20. Review status: no assertion criteria provided. Collection method: clinical testing. Allele origin: germline. Not counted in ClinVar's aggregate classification.
Comment: This variant is classified as likely benign based on ACMG/AMP sequence variant interpretation guidelines (Richards et al. 2015 PMID: 25741868, with internal and published modifications).

NM_006031.6(PCNT):c.7118G>A (p.Gly2373Glu)

Gene: PCNT (pericentrin; plus strand). Cytogenetic location: 21q22.3.
Variant type: single nucleotide variant.
Coding change: c.7118G>A on transcript NM_006031.6 (MANE Select); coding-DNA position 7118, G replaced by A.
Protein change: p.Gly2373Glu; replaces glycine 2373 with glutamic acid.
Molecular consequence: missense variant.
Genome position (GRCh38, 1-based): chr21:46,422,063, G>A. VCF-style: chr21-46422063-G-A. GRCh37 (hg19) VCF-style: chr21-47841977-G-A.
Other names: c.6764G>A, p.Gly2255Glu (NM_001315529.2); short protein forms G2373E, G2255E.
Identifiers: ClinVar variation 340527 (VCV000340527.18), dbSNP rs147670568, ClinGen allele CA10080523.